The following is an entry in ClinVar:

ClinVar aggregate classification (germline): Uncertain significance. Review status: criteria provided, multiple submitters, no conflicts (2 of 4 stars). 7 submissions from 7 submitters: Uncertain significance (7). Last evaluated 2024-11-19.

Conditions:
Congenital myopathy with fiber type disproportion. Also called: Congenital fiber-type disproportion; Congenital fiber-type disproportion myopathy. Identifiers: Orphanet 2020, MedGen C0546264, MONDO:0009711. Inheritance: all.
Malignant hyperthermia, susceptibility to, 1 (MHS1). Also called: Anesthesia related hyperthermia; Malignant hyperpyrexia; Fulminating hyperpyrexia; Pharmacogenic myopathy; RYR1-Related Malignant Hyperthermia Susceptibility; Malignant hyperthermia suceptibility 1. Identifiers: Orphanet 423, MedGen C2930980, MONDO:0007783, OMIM 145600.
Congenital multicore myopathy with external ophthalmoplegia (CMYO1B). Also called: MULTICORE MYOPATHY; MULTIMINICORE DISEASE WITH EXTERNAL OPHTHALMOPLEGIA; Minicore myopathy with external ophthalmoplegia; Congenital myopathy 1B, autosomal recessive; Minicore myopathy. Identifiers: Orphanet 598, Orphanet 98905, MedGen C1850674, MONDO:0009712, OMIM 255320, HP:0003789.
Central core myopathy (CMYO1A). Also called: CONGENITAL MYOPATHY 1A, AUTOSOMAL DOMINANT, WITH SUSCEPTIBILITY TO MALIGNANT HYPERTHERMIA; Central core disease; Myopathy, central fibrillar. Identifiers: Orphanet 597, MedGen C5830701, MONDO:0007294, OMIM 117000.
King Denborough syndrome (KDS). Identifiers: MedGen C1840365, MONDO:0020485, OMIM 619542.
RYR1-related disorder. Also called: RYR1-related disorders; RYR1-related condition. Identifiers: MedGen CN239331.
Inborn genetic diseases. Identifiers: MedGen C0950123, MeSH D030342.

Allele frequency attached by ClinVar (database versions not stated): ExAC 0.00003; gnomAD 0.00004; gnomAD exomes 0.00004; TOPMed 0.00004; ESP Exome Variant Server 0.00008.
gnomAD v4.1: 62 of 1,614,058 alleles (0.0038%); highest among the groups gnomAD compares: South Asian, 0.018%; no homozygotes.

Submissions (7):

Labcorp Genetics (formerly Invitae), Labcorp
Classification: Uncertain significance for RYR1-related disorder. Last evaluated: 2024-11-19. Review status: criteria provided, single submitter. Criteria: Invitae Variant Classification Sherloc (09022015). Collection method: clinical testing. Allele origin: germline.
Comment: This sequence change replaces arginine, which is basic and polar, with tryptophan, which is neutral and slightly polar, at codon 1070 of the RYR1 protein (p.Arg1070Trp). This variant is present in population databases (rs368950468, gnomAD 0.01%). This variant has not been reported in the literature in individuals affected with RYR1-related conditions. ClinVar contains an entry for this variant (Variation ID: 500206). Invitae Evidence Modeling of protein sequence and biophysical properties (such as structural, functional, and spatial information, amino acid conservation, physicochemical variation, residue mobility, and thermodynamic stability) has been performed for this missense variant. However, the output from this modeling did not meet the statistical confidence thresholds required to predict the impact of this variant on RYR1 protein function. In summary, the available evidence is currently insufficient to determine the role of this variant in disease. Therefore, it has been classified as a Variant of Uncertain Significance.

Women's Health and Genetics/Laboratory Corporation of America, LabCorp
Classification: Uncertain significance. Last evaluated: 2024-07-23. Review status: criteria provided, single submitter. Criteria: LabCorp Variant Classification Summary - May 2015. Collection method: clinical testing. Allele origin: germline.
Comment: Variant summary: RYR1 c.3208C>T (p.Arg1070Trp) results in a non-conservative amino acid change located in the second B30.2/SPRY domain (IPR001870) of the encoded protein sequence. Four of four in-silico tools predict a damaging effect of the variant on protein function. The variant allele was found at a frequency of 3.6e-05 in 251472 control chromosomes. The available data on variant occurrences in the general population are insufficient to allow any conclusion about variant significance. To our knowledge, no occurrence of c.3208C>T in individuals affected with Myopathy, RYR1-Associated and no experimental evidence demonstrating its impact on protein function have been reported. ClinVar contains an entry for this variant (Variation ID: 500206). Based on the evidence outlined above, the variant was classified as uncertain significance.

Ambry Genetics
Classification: Uncertain significance for Inborn genetic diseases. Last evaluated: 2023-12-21. Review status: criteria provided, single submitter. Criteria: Ambry Variant Classification Scheme 2023. Collection method: clinical testing. Allele origin: germline.

Color Diagnostics, LLC DBA Color Health
Classification: Uncertain significance for Malignant hyperthermia, susceptibility to, 1. Last evaluated: 2023-11-20. Review status: criteria provided, single submitter. Criteria: ACMG Guidelines, 2015. Collection method: clinical testing. Allele origin: germline.
Comment: This missense variant replaces arginine with tryptophan at codon 1070 of the RYR1 protein. Computational prediction tool indicates that this variant may have an uncertain impact on protein structure and function. To our knowledge, functional studies have not been reported for this variant. This variant has not been reported in individuals affected with RYR1-related disorders in the literature. This variant has been identified in 10/282872 chromosomes in the general population by the Genome Aggregation Database (gnomAD). The available evidence is insufficient to determine the role of this variant in disease conclusively. Therefore, this variant is classified as a Variant of Uncertain Significance.

GeneDx
Classification: Uncertain significance. Last evaluated: 2022-11-09. Review status: criteria provided, single submitter. Criteria: GeneDx Variant Classification Process June 2021. Collection method: clinical testing. Allele origin: germline. Affected: yes.
Comment: Not observed at significant frequency in large population cohorts (gnomAD); In silico analysis supports that this missense variant has a deleterious effect on protein structure/function; Has not been previously published as pathogenic or benign to our knowledge

Fulgent Genetics
Classification: Uncertain significance for Central core myopathy; Malignant hyperthermia, susceptibility to, 1; Congenital myopathy 4A, autosomal dominant; Congenital multicore myopathy with external ophthalmoplegia; King Denborough syndrome. Last evaluated: 2021-09-14. Review status: criteria provided, single submitter. Criteria: ACMG Guidelines, 2015. Collection method: clinical testing. Allele origin: unknown.

Eurofins Ntd Llc (ga)
Classification: Uncertain significance. Last evaluated: 2017-02-09. Review status: criteria provided, single submitter. Criteria: EGL Classification Definitions 2015. Collection method: clinical testing. Allele origin: germline. Observed: 2 variant alleles, 2 heterozygotes.

NM_000540.3(RYR1):c.3208C>T (p.Arg1070Trp)

Gene: RYR1 (ryanodine receptor 1; plus strand). Cytogenetic location: 19q13.2.
Variant type: single nucleotide variant.
Coding change: c.3208C>T on transcript NM_000540.3 (MANE Select); coding-DNA position 3208, C replaced by T.
Protein change: p.Arg1070Trp; replaces arginine 1070 with tryptophan.
Molecular consequence: missense variant.
Genome position (GRCh38, 1-based): chr19:38,467,639, C>T. VCF-style: chr19-38467639-C-T. GRCh37 (hg19) VCF-style: chr19-38958279-C-T.
Other names: c.3208C>T, p.Arg1070Trp (NM_001042723.2); short protein forms R1070W.
Identifiers: ClinVar variation 500206 (VCV000500206.19), dbSNP rs368950468, ClinGen allele CA064531.